The following is an entry in ClinVar:

ClinVar aggregate classification (germline): Benign. Review status: criteria provided, multiple submitters, no conflicts (2 of 4 stars). 2 submissions from 2 submitters: Benign (2). Last evaluated 2018-06-16.

Allele frequency attached by ClinVar (database versions not stated): 1000 Genomes Project 0.06410; gnomAD 0.06559; 1000 Genomes Project 30x 0.06746; TOPMed 0.06780.
gnomAD v4.1: 42,490 of 1,210,458 alleles (3.5%); highest among the groups gnomAD compares: African/African-American, 16%; 1,405 homozygotes.

Submissions (2):

GeneDx
Classification: Benign. Last evaluated: 2018-06-16. Review status: criteria provided, single submitter. Criteria: GeneDx Variant Classification (06012015). Collection method: clinical testing. Allele origin: germline. Affected: yes.
Comment: This variant is considered likely benign or benign based on one or more of the following criteria: it is a conservative change, it occurs at a poorly conserved position in the protein, it is predicted to be benign by multiple in silico algorithms, and/or has population frequency not consistent with disease.

Breakthrough Genomics
Classification: Benign. Review status: criteria provided, single submitter. Criteria: ACMG Guidelines, 2015. Collection method: not provided. Allele origin: germline. Inheritance: Autosomal recessive inheritance. Affected: yes.

NM_017777.4(MKS1):c.80+144C>A

Gene: MKS1 (MKS transition zone complex subunit 1; minus strand). Cytogenetic location: 17q22.
Variant type: single nucleotide variant.
Coding change: c.80+144C>A on transcript NM_017777.4 (MANE Select); 144 bases into the intron after coding-DNA position 80, C replaced by A.
Molecular consequence: intron variant.
Genome position (GRCh38, 1-based): chr17:58,219,007, G>T on the plus strand (C>A on the coding strand, the complement: MKS1 is on the minus strand). VCF-style: chr17-58219007-G-T. GRCh37 (hg19) VCF-style: chr17-56296368-G-T.
Other names: c.-432+144C>A (NM_001321268.2); c.80+144C>A (NM_001330397.2, NM_001321269.2).
Identifiers: ClinVar variation 677783 (VCV000677783.2), dbSNP rs73329640, ClinGen allele CA14466186.
Genomic context (GRCh38, chr17:58,219,007, plus strand): 5'-AGACGTGAATGGACTTGGGTAGGTCTGTAAGGGGTTCTTAGAGGCTGTGAGTGGATGGGG[G>T]TACGGATAGTGAAAGAAGTGGGGAGCCCGGAGAAGTGGTCGGGATTGTAAGCAGAAAGTG-3'